The following is an entry in ClinVar:

ClinVar aggregate classification (germline): Uncertain significance (1 of 4 stars; one submission).

Submission:

Labcorp Genetics (formerly Invitae), Labcorp
Classification: Uncertain significance. Last evaluated: 2022-10-13. Review status: criteria provided, single submitter. Criteria: Invitae Variant Classification Sherloc (09022015). Collection method: clinical testing. Allele origin: germline.
Comment: In summary, the available evidence is currently insufficient to determine the role of this variant in disease. Therefore, it has been classified as a Variant of Uncertain Significance. Algorithms developed to predict the effect of missense changes on protein structure and function (SIFT, PolyPhen-2, Align-GVGD) all suggest that this variant is likely to be disruptive. This variant has not been reported in the literature in individuals affected with ERBIN-related conditions. This variant is not present in population databases (gnomAD no frequency). This sequence change replaces threonine, which is neutral and polar, with serine, which is neutral and polar, at codon 161 of the ERBIN protein (p.Thr161Ser).

NM_001253697.2(ERBIN):c.482C>G (p.Thr161Ser)

Gene: ERBIN (erbb2 interacting protein; plus strand). Cytogenetic location: 5q12.3.
Variant type: single nucleotide variant.
Coding change: c.482C>G on transcript NM_001253697.2 (MANE Select); coding-DNA position 482, C replaced by G.
Protein change: p.Thr161Ser; replaces threonine 161 with serine.
Molecular consequence: missense variant.
Genome position (GRCh38, 1-based): chr5:66,014,674, C>G. VCF-style: chr5-66014674-C-G. GRCh37 (hg19) VCF-style: chr5-65310502-C-G.
Other names: c.482C>G, p.Thr161Ser (NM_001006600.3, NM_001253698.2, NM_001253699.2 and 2 more transcripts); short protein forms T161S.
Identifiers: ClinVar variation 2825577 (VCV002825577.3), dbSNP rs1754529719, ClinGen allele CA359974179.